The following is an entry in ClinVar:

NM_001085411.3(NADK2):c.1003T>A (p.Leu335Ile)

Gene: NADK2 (NAD kinase 2, mitochondrial; minus strand). Cytogenetic location: 5p13.2.
Variant type: single nucleotide variant.
Coding change: c.1003T>A on transcript NM_001085411.3 (MANE Select); coding-DNA position 1003, T replaced by A.
Protein change: p.Leu335Ile; replaces leucine 335 with isoleucine.
Molecular consequence: missense variant.
Genome position (GRCh38, 1-based): chr5:36,201,115, A>T on the plus strand (T>A on the coding strand, the complement: NADK2 is on the minus strand). VCF-style: chr5-36201115-A-T. GRCh37 (hg19) VCF-style: chr5-36201217-A-T.
Other names: c.514T>A, p.Leu172Ile (NM_001287340.2, NM_153013.5); c.580T>A, p.Leu194Ile (NM_001287341.2); short protein forms L172I, L194I, L335I.
Identifiers: ClinVar variation 4805711 (VCV004805711.1).

ClinVar aggregate classification (germline): Uncertain significance (1 of 4 stars; one submission).

Conditions:
Progressive encephalopathy with leukodystrophy due to DECR deficiency. Identifiers: Orphanet 431361, MedGen C1857252, MONDO:0014464, OMIM 616034.

Submission:

Labcorp Genetics (formerly Invitae), Labcorp
Classification: Uncertain significance for Progressive encephalopathy with leukodystrophy due to DECR deficiency. Last evaluated: 2025-09-11. Review status: criteria provided, single submitter. Criteria: Invitae Variant Classification Sherloc (09022015). Collection method: clinical testing. Allele origin: germline.
Comment: This sequence change replaces leucine, which is neutral and non-polar, with isoleucine, which is neutral and non-polar, at codon 335 of the NADK2 protein (p.Leu335Ile). This variant is not present in population databases (gnomAD no frequency). This variant has not been reported in the literature in individuals affected with NADK2-related conditions. Invitae Evidence Modeling of protein sequence and biophysical properties (such as structural, functional, and spatial information, amino acid conservation, physicochemical variation, residue mobility, and thermodynamic stability) indicates that this missense variant is not expected to disrupt NADK2 protein function with a negative predictive value of 80%. In summary, the available evidence is currently insufficient to determine the role of this variant in disease. Therefore, it has been classified as a Variant of Uncertain Significance.